The following is an entry in ClinVar:

ClinVar aggregate classification (germline): Uncertain significance. Review status: criteria provided, multiple submitters, no conflicts (2 of 4 stars). 2 submissions from 2 submitters: Uncertain significance (2). Last evaluated 2025-08-09.

Conditions:
Inborn genetic diseases. Identifiers: MedGen C0950123, MeSH D030342.
Koolen-de Vries syndrome (KDVS). Identifiers: Orphanet 96169, MedGen C1864871, MONDO:0012496, OMIM 610443.

Allele frequency attached by ClinVar (database versions not stated): gnomAD exomes below 0.00001 and 0.00002; ExAC 0.00001; gnomAD 0.00001.
gnomAD v4.1: 26 of 1,614,046 alleles (0.0016%); highest among the groups gnomAD compares: Non-Finnish European, 0.0022%; no homozygotes.

Submissions (2):

Ambry Genetics
Classification: Uncertain significance for Inborn genetic diseases. Last evaluated: 2025-08-09. Review status: criteria provided, single submitter. Criteria: Ambry Variant Classification Scheme 2023. Collection method: clinical testing. Allele origin: germline.

Labcorp Genetics (formerly Invitae), Labcorp
Classification: Uncertain significance for Koolen-de Vries syndrome. Last evaluated: 2021-09-17. Review status: criteria provided, single submitter. Criteria: Invitae Variant Classification Sherloc (09022015). Collection method: clinical testing. Allele origin: germline.
Comment: Due to the possible presence of a polymorphic segmental duplication, the location of the variant could not be unambiguously resolved. Variants with ambiguous mapping are still reported relative to the KANSL1 transcript. This sequence change replaces isoleucine with valine at codon 273 of the KANSL1 protein (p.Ile273Val). The isoleucine residue is highly conserved and there is a small physicochemical difference between isoleucine and valine. The frequency data for this variant in the population databases (ExAC) is considered unreliable due to the presence of homologous sequence, such as pseudogenes or paralogs, in the genome. This variant has not been reported in the literature in individuals with KANSL1-related conditions. Algorithms developed to predict the effect of missense changes on protein structure and function (SIFT, PolyPhen-2, Align-GVGD) all suggest that this variant is likely to be tolerated. Until the location of this sequence change can be resolved, the clinical significance of this variant remains uncertain. It has been classified as a Variant of Uncertain Significance.

NM_015443.4(KANSL1):c.817A>G (p.Ile273Val)

Gene: KANSL1 (KAT8 regulatory NSL complex subunit 1). Cytogenetic location: 17q21.31.
Variant type: single nucleotide variant.
Coding change: c.817A>G on transcript NM_015443.4 (MANE Select); coding-DNA position 817, A replaced by G.
Protein change: p.Ile273Val; replaces isoleucine 273 with valine.
Molecular consequence: missense variant.
Genome position (GRCh38, 1-based): chr17:46,171,327, T>C on the plus strand (A>G on the coding strand, the complement: KANSL1 is on the minus strand). VCF-style: chr17-46171327-T-C. GRCh37 (hg19) VCF-style: chr17-44248693-T-C.
Other names: c.817A>G (NM_001193466.1); c.817A>G, p.Ile273Val (NM_001193465.2, NM_001193466.2, NM_001379198.1); short protein forms I273V.
Identifiers: ClinVar variation 1494234 (VCV001494234.6), dbSNP rs769802260, ClinGen allele CA8618952.